The following is an entry in ClinVar:

NM_000136.3(FANCC):c.465A>C (p.Leu155Phe)

Gene: FANCC (FA complementation group C; minus strand). Cytogenetic location: 9q22.32.
Variant type: single nucleotide variant.
Coding change: c.465A>C on transcript NM_000136.3 (MANE Select); coding-DNA position 465, A replaced by C.
Protein change: p.Leu155Phe; replaces leucine 155 with phenylalanine.
Molecular consequence: missense variant.
Genome position (GRCh38, 1-based): chr9:95,171,135, T>G on the plus strand (A>C on the coding strand, the complement: FANCC is on the minus strand). VCF-style: chr9-95171135-T-G. GRCh37 (hg19) VCF-style: chr9-97933417-T-G.
Other names: c.465A>C, p.Leu155Phe (NM_001243743.2, NM_001243744.2); short protein forms L155F.
Identifiers: ClinVar variation 4870939 (VCV004870939.1).

ClinVar aggregate classification (germline): Uncertain significance (1 of 4 stars; one submission).

Conditions:
Hereditary cancer-predisposing syndrome. Also called: Neoplastic Syndromes, Hereditary; Hereditary Cancer Syndrome; Hereditary neoplastic syndrome; Tumor predisposition. Identifiers: Orphanet 140162, MedGen C0027672, MeSH D009386, MONDO:0015356.

Submission:

Ambry Genetics
Classification: Uncertain significance for Hereditary cancer-predisposing syndrome. Last evaluated: 2026-03-21. Review status: criteria provided, single submitter. Criteria: Ambry Variant Classification Scheme 2023. Collection method: clinical testing. Allele origin: germline.
Comment: The p.L155F variant (also known as c.465A>C), located in coding exon 5 of the FANCC gene, results from an A to C substitution at nucleotide position 465. The leucine at codon 155 is replaced by phenylalanine, an amino acid with highly similar properties. This amino acid position is conserved. In addition, this alteration is predicted to be tolerated by in silico analysis. Based on the available evidence, the clinical significance of this variant remains unclear.